The following is an entry in ClinVar:

NM_020738.4(KIDINS220):c.3804T>C (p.Leu1268=)

Gene: KIDINS220 (kinase D interacting substrate 220; minus strand). Cytogenetic location: 2p25.1.
Variant type: single nucleotide variant.
Coding change: c.3804T>C on transcript NM_020738.4 (MANE Select); coding-DNA position 3804, T replaced by C.
Protein change: p.Leu1268=; no amino-acid change (leucine 1268 retained).
Molecular consequence: synonymous variant. On other transcripts: non-coding transcript variant (2).
Genome position (GRCh38, 1-based): chr2:8,734,667, A>G on the plus strand (T>C on the coding strand, the complement: KIDINS220 is on the minus strand). VCF-style: chr2-8734667-A-G. GRCh37 (hg19) VCF-style: chr2-8874797-A-G.
Other names: c.3807T>C, p.Leu1269= (NM_001348729.2); c.3750T>C, p.Leu1250= (NM_001348731.2); c.3747T>C, p.Leu1249= (NM_001348732.2, NM_001348738.2); c.3636T>C, p.Leu1212= (NM_001348734.2, NM_001348739.2, NM_001348740.2); c.3633T>C, p.Leu1211= (NM_001348735.2, NM_001348741.2, NM_001348742.2 and 1 more transcripts); c.3507T>C, p.Leu1169= (NM_001348736.2).
Identifiers: ClinVar variation 3353980 (VCV003353980.1).

ClinVar aggregate classification (germline): Likely benign (0 of 4 stars; one submission).

Conditions:
KIDINS220-related disorder. Also called: KIDINS220-related condition.

Submission:

PreventionGenetics, part of Exact Sciences
Classification: Likely benign for KIDINS220-related condition. Last evaluated: 2022-08-18. Review status: no assertion criteria provided. Collection method: clinical testing. Allele origin: germline.
Comment: This variant is classified as likely benign based on ACMG/AMP sequence variant interpretation guidelines (Richards et al. 2015 PMID: 25741868, with internal and published modifications).